The following is an entry in ClinVar:

NM_177438.3(DICER1):c.3222T>C (p.Thr1074=)

Gene: DICER1 (dicer 1, ribonuclease III; minus strand). Cytogenetic location: 14q32.13.
Variant type: single nucleotide variant.
Coding change: c.3222T>C on transcript NM_177438.3 (MANE Select); coding-DNA position 3222, T replaced by C.
Protein change: p.Thr1074=; no amino-acid change (threonine 1074 retained).
Molecular consequence: synonymous variant.
Genome position (GRCh38, 1-based): chr14:95,105,118, A>G on the plus strand (T>C on the coding strand, the complement: DICER1 is on the minus strand). VCF-style: chr14-95105118-A-G. GRCh37 (hg19) VCF-style: chr14-95571455-A-G.
Other names: c.3222T>C, p.Thr1074= (NM_001195573.1, NM_001271282.3, NM_001291628.2 and 1 more transcripts).
Identifiers: ClinVar variation 1546050 (VCV001546050.10), dbSNP rs2139986199, ClinGen allele CA487626149.

ClinVar aggregate classification (germline): Benign/Likely benign. Review status: criteria provided, multiple submitters, no conflicts (2 of 4 stars). 2 submissions from 2 submitters: Benign (1); Likely benign (1). Last evaluated 2026-08-19.

Conditions:
DICER1-related tumor predisposition. Also called: DICER1-related pleuropulmonary blastoma cancer predisposition syndrome; DICER1 syndrome. Identifiers: Orphanet 284343, MedGen C3839822, MONDO:0100216.

Submissions (2):

Myriad Genetics, Inc.
Classification: Benign for DICER1-related tumor predisposition. Last evaluated: 2026-08-19. Review status: criteria provided, single submitter. Criteria: Myriad Autosomal Dominant, Autosomal Recessive and X-Linked Classification Criteria (2023). Collection method: clinical testing. Allele origin: unknown.
Comment: This variant is considered benign. This variant is a silent/synonymous amino acid change and it is not expected to impact splicing.

Labcorp Genetics (formerly Invitae), Labcorp
Classification: Likely benign for DICER1-related tumor predisposition. Last evaluated: 2021-10-03. Review status: criteria provided, single submitter. Criteria: Invitae Variant Classification Sherloc (09022015). Collection method: clinical testing. Allele origin: germline.